The following is an entry in ClinVar:

ClinVar aggregate classification (germline): Uncertain significance (1 of 4 stars; one submission).

Conditions:
Charcot-Marie-Tooth disease type 4. Also called: Charcot-Marie-Tooth disease, type IV; Charcot-Marie-Tooth, Type 4. Identifiers: Orphanet 64749, MedGen C4082197, MONDO:0018995.

gnomAD v4.1: 2 of 1,613,932 alleles (0.00012%); highest among the groups gnomAD compares: South Asian, 0.0011%; no homozygotes.

Submission:

Labcorp Genetics (formerly Invitae), Labcorp
Classification: Uncertain significance for Charcot-Marie-Tooth disease type 4. Last evaluated: 2023-05-02. Review status: criteria provided, single submitter. Criteria: Invitae Variant Classification Sherloc (09022015). Collection method: clinical testing. Allele origin: germline.
Comment: In summary, the available evidence is currently insufficient to determine the role of this variant in disease. Therefore, it has been classified as a Variant of Uncertain Significance. Advanced modeling of protein sequence and biophysical properties (such as structural, functional, and spatial information, amino acid conservation, physicochemical variation, residue mobility, and thermodynamic stability) performed at Invitae indicates that this missense variant is not expected to disrupt SH3TC2 protein function. This variant has not been reported in the literature in individuals affected with SH3TC2-related conditions. This variant is present in population databases (no rsID available, gnomAD 0.003%). This sequence change replaces leucine, which is neutral and non-polar, with valine, which is neutral and non-polar, at codon 800 of the SH3TC2 protein (p.Leu800Val).

NM_024577.4(SH3TC2):c.2398C>G (p.Leu800Val)

Gene: SH3TC2 (SH3 domain and tetratricopeptide repeats 2; minus strand). Cytogenetic location: 5q32.
Variant type: single nucleotide variant.
Coding change: c.2398C>G on transcript NM_024577.4 (MANE Select); coding-DNA position 2398, C replaced by G.
Protein change: p.Leu800Val; replaces leucine 800 with valine.
Molecular consequence: missense variant.
Genome position (GRCh38, 1-based): chr5:149,027,334, G>C on the plus strand (C>G on the coding strand, the complement: SH3TC2 is on the minus strand). VCF-style: chr5-149027334-G-C. GRCh37 (hg19) VCF-style: chr5-148406897-G-C.
Other names: short protein forms L800V.
Identifiers: ClinVar variation 2891060 (VCV002891060.3), dbSNP rs764616291, ClinGen allele CA361666450.